The following is an entry in ClinVar:

NM_031892.3(SH3KBP1):c.1353C>G (p.Asp451Glu)

Gene: SH3KBP1 (SH3 domain containing kinase binding protein 1; minus strand). Cytogenetic location: Xp22.12.
Variant type: single nucleotide variant.
Coding change: c.1353C>G on transcript NM_031892.3 (MANE Select); coding-DNA position 1353, C replaced by G.
Protein change: p.Asp451Glu; replaces aspartic acid 451 with glutamic acid.
Molecular consequence: missense variant.
Genome position (GRCh38, 1-based): chrX:19,569,134, G>C on the plus strand (C>G on the coding strand, the complement: SH3KBP1 is on the minus strand). VCF-style: chrX-19569134-G-C. GRCh37 (hg19) VCF-style: chrX-19587252-G-C.
Other names: c.1242C>G, p.Asp414Glu (NM_001024666.3); c.639C>G, p.Asp213Glu (NM_001184960.2, NM_001353897.2); c.1353C>G, p.Asp451Glu (NM_001353890.2); c.1428C>G, p.Asp476Glu (NM_001353891.2, NM_001353892.2); c.1251C>G, p.Asp417Glu (NM_001353893.2, NM_001353894.2); c.1308C>G, p.Asp436Glu (NM_001353895.2); c.1485C>G, p.Asp495Glu (NM_001410756.1, NM_001410757.1); c.1176C>G, p.Asp392Glu (NM_001410758.1); short protein forms D414E, D436E, D417E, D213E, D451E, D476E, D392E, D495E.
Identifiers: ClinVar variation 4696805 (VCV004696805.1).
Genomic context (GRCh38, chrX:19,569,134, plus strand): 5'-AGAGAAGCGAGAACACTGTCCTTACTCACCAATGTCATTGCTGCGGTCCGAGAGATCTTT[G>C]TCCAGGATGCCAGATAGCGAACTGCCGGCCAAGTCAATCTTTGGACTGTCACCCCTACAT-3'
Protein context (NP_114098.1, residues 441-461): LAGSSLSGIL[Asp451Glu]KDLSDRSNDI

ClinVar aggregate classification (germline): Uncertain significance (1 of 4 stars; one submission).

gnomAD v4.1: 4 of 1,211,283 alleles (0.00033%); highest among the groups gnomAD compares: Admixed American, 0.0087%; no homozygotes.

Submission:

Labcorp Genetics (formerly Invitae), Labcorp
Classification: Uncertain significance. Last evaluated: 2025-02-20. Review status: criteria provided, single submitter. Criteria: Invitae Variant Classification Sherloc (09022015). Collection method: clinical testing. Allele origin: germline.
Comment: This sequence change replaces aspartic acid, which is acidic and polar, with glutamic acid, which is acidic and polar, at codon 451 of the SH3KBP1 protein (p.Asp451Glu). This variant is present in population databases (no rsID available, gnomAD 0.008%). This variant has not been reported in the literature in individuals affected with SH3KBP1-related conditions. Invitae Evidence Modeling of protein sequence and biophysical properties (such as structural, functional, and spatial information, amino acid conservation, physicochemical variation, residue mobility, and thermodynamic stability) indicates that this missense variant is not expected to disrupt SH3KBP1 protein function with a negative predictive value of 80%. In summary, the available evidence is currently insufficient to determine the role of this variant in disease. Therefore, it has been classified as a Variant of Uncertain Significance.